The following is an entry in ClinVar:

ClinVar aggregate classification (germline): Uncertain significance (1 of 4 stars; one submission).

Allele frequency attached by ClinVar (database versions not stated): gnomAD exomes below 0.00001; ExAC 0.00001.
gnomAD v4.1: 2 of 1,604,284 alleles (0.00012%); highest among the groups gnomAD compares: Admixed American, 0.0034%; no homozygotes.

Submission:

Labcorp Genetics (formerly Invitae), Labcorp
Classification: Uncertain significance. Last evaluated: 2021-07-14. Review status: criteria provided, single submitter. Criteria: Invitae Variant Classification Sherloc (09022015). Collection method: clinical testing. Allele origin: germline.
Comment: This variant is present in population databases (rs747349456, ExAC 0.009%). In summary, the available evidence is currently insufficient to determine the role of this variant in disease. Therefore, it has been classified as a Variant of Uncertain Significance. Algorithms developed to predict the effect of missense changes on protein structure and function (SIFT, PolyPhen-2, Align-GVGD) all suggest that this variant is likely to be tolerated. This variant has not been reported in the literature in individuals affected with RNF13-related conditions. This sequence change replaces aspartic acid with asparagine at codon 125 of the RNF13 protein (p.Asp125Asn). The aspartic acid residue is moderately conserved and there is a small physicochemical difference between aspartic acid and asparagine.

NM_183381.3(RNF13):c.373G>A (p.Asp125Asn)

Gene: RNF13 (ring finger protein 13; plus strand). Cytogenetic location: 3q25.1.
Variant type: single nucleotide variant.
Coding change: c.373G>A on transcript NM_183381.3 (MANE Select); coding-DNA position 373, G replaced by A.
Protein change: p.Asp125Asn; replaces aspartic acid 125 with asparagine.
Molecular consequence: missense variant. On other transcripts: synonymous variant (5), 5 prime UTR variant (1), non-coding transcript variant (1).
Genome position (GRCh38, 1-based): chr3:149,895,524, G>A. VCF-style: chr3-149895524-G-A. GRCh37 (hg19) VCF-style: chr3-149613311-G-A.
Other names: c.373G>A, p.Asp125Asn (NM_001378285.1, NM_001378286.1, NM_007282.4); c.6G>A, p.Leu2= (NM_001378287.1, NM_001378288.1, NM_001378289.1 and 2 more transcripts); c.-21G>A (NM_001378291.1); short protein forms D125N.
Identifiers: ClinVar variation 1474730 (VCV001474730.8), dbSNP rs747349456, ClinGen allele CA2662977.